The following is an entry in ClinVar:

ClinVar aggregate classification (germline): Conflicting classifications of pathogenicity. Review status: criteria provided, conflicting classifications (1 of 4 stars). 3 submissions from 3 submitters: Uncertain significance (1); Likely benign (1). 1 of the submissions does not count toward it. Last evaluated 2025-08-02.

Conditions:
NLRP5-related disorder. Also called: NLRP5-related condition.

Allele frequency attached by ClinVar (database versions not stated): ESP Exome Variant Server 0.00257; 1000 Genomes Project 30x 0.00234; TOPMed 0.00253; 1000 Genomes Project 0.00280; gnomAD 0.00245.
gnomAD v4.1: 684 of 1,613,974 alleles (0.042%); highest among the groups gnomAD compares: African/African-American, 0.83%; no homozygotes.

Submissions (3):

Ambry Genetics
Classification: Uncertain significance. Last evaluated: 2025-08-02. Review status: criteria provided, single submitter. Criteria: Ambry Variant Classification Scheme 2023. Collection method: clinical testing. Allele origin: germline.

Labcorp Genetics (formerly Invitae), Labcorp
Classification: Likely benign. Last evaluated: 2019-12-31. Review status: criteria provided, single submitter. Criteria: Invitae Variant Classification Sherloc (09022015). Collection method: clinical testing. Allele origin: germline.

PreventionGenetics, part of Exact Sciences
Classification: Benign for NLRP5-related condition. Last evaluated: 2019-11-14. Review status: no assertion criteria provided. Collection method: clinical testing. Allele origin: germline. Not counted in ClinVar's aggregate classification.
Comment: This variant is classified as benign based on ACMG/AMP sequence variant interpretation guidelines (Richards et al. 2015 PMID: 25741868, with internal and published modifications).

NM_001433705.1(NLRP5):c.1603A>C (p.Ser535Arg)

Gene: NLRP5 (NLR family pyrin domain containing 5; plus strand). Cytogenetic location: 19q13.43.
Variant type: single nucleotide variant.
Coding change: c.1603A>C on transcript NM_001433705.1 (MANE Select); coding-DNA position 1603, A replaced by C.
Protein change: p.Ser535Arg; replaces serine 535 with arginine.
Molecular consequence: missense variant.
Genome position (GRCh38, 1-based): chr19:56,027,989, A>C. VCF-style: chr19-56027989-A-C. GRCh37 (hg19) VCF-style: chr19-56539355-A-C.
Other names: NM_153447.4:c.1756A>C; short protein forms S535R.
Identifiers: ClinVar variation 788475 (VCV000788475.7), dbSNP rs35696923, ClinGen allele CA9685657.